The following continues an entry in ClinVar:

NM_014336.5(AIPL1):c.834G>A (p.Trp278Ter)

Gene: AIPL1. ClinVar aggregate classification (germline): Pathogenic. Pathogenic (1).

Submissions 12 to 24 of 34:

Women's Health and Genetics/Laboratory Corporation of America, LabCorp
Classification: Pathogenic for Leber congenital amaurosis. Last evaluated: 2023-04-27. Review status: criteria provided, single submitter. Criteria: LabCorp Variant Classification Summary - May 2015. Collection method: clinical testing. Allele origin: germline. Not counted in ClinVar's aggregate classification.
Comment: Variant summary: AIPL1 c.834G>A (p.Trp278X) results in a premature termination codon, predicted to cause a truncation of the encoded protein, which is a commonly known mechanism for disease. While this variant is not expected to result in nonsense mediated decay, it is predicted to disrupt the last 107 amino acids of the protein. The variant allele was found at a frequency of 0.00033 in 243060 control chromosomes. This frequency is not significantly higher than estimated for a pathogenic variant in AIPL1 causing Leber Congenital Amaurosis (0.00033 vs 0.0011), allowing no conclusion about variant significance. c.834G>A has been reported in the literature in numerous homozygous and compound heterozygous individuals affected with Leber Congenital Amaurosis and has been shown to segregate with disease in multiple families (e.g., Sohocki_2000, Sohocki_2000b). These data indicate that the variant is very likely to be associated with disease. Several publications report experimental evidence evaluating an impact on protein function, finding that the variant completely abolished the ability to enhance Hsp70-mediated suppression of GFP-NUB1-N inclusions and led to the formation of SDS-insoluble cytoplasmic inclusions (e.g., van der Spuy_2004, Hidalgo-de-Quintana_2008). The following publications have been ascertained in the context of this evaluation (PMID: 25799540, 10873396, 10615133, 15347646). Multiple ClinVar submitters (evaluation after 2014) have cited the variant, and all submitters classified the variant as pathogenic (n = 16). Based on the evidence outlined above, the variant was classified as pathogenic.

GeneDx
Classification: Pathogenic. Last evaluated: 2022-10-11. Review status: criteria provided, single submitter. Criteria: GeneDx Variant Classification Process June 2021. Collection method: clinical testing. Allele origin: germline. Affected: yes. Not counted in ClinVar's aggregate classification.
Comment: Published functional studies demonstrate that W278X has a detrimental effect on the AIPL1 protein (van der Spuy and Cheetham, 2004); Nonsense variant in the C-terminus predicted to result in protein truncation, as the last 107 amino acids are lost, and other loss-of-function variants have been reported downstream in the Human Gene Mutation Database (HGMD); This variant is associated with the following publications: (PMID: 11548141, 20702822, 16205573, 22412862, 21474771, 15249368, 20065226, 29068479, 10873396, 20301475, 29053603, 31429209, 32531858, 35456422, 25596619, 12374762, 21900377, 16505055, 16123401, 15024725, 17724218, 25799540, 10615133, 29178642, 30576320, 30718709, 31456290, 31980526, 32552793, 32581362, 33067476, 31589614, 34426522, 32783370, 32865313, 15347646, 24077912)

AURAGEN, Plan France Médecine Génomique
Classification: Pathogenic for Retinal disorder. Last evaluated: 2022-08-23. Review status: criteria provided, single submitter. Criteria: PFMG2025 (Lancet Reg Health Eur. 2025). Collection method: clinical testing. Allele origin: germline. Affected: yes. Not counted in ClinVar's aggregate classification.

Revvity Omics, Revvity
Classification: Pathogenic for Leber congenital amaurosis 4. Last evaluated: 2022-07-11. Review status: criteria provided, single submitter. Criteria: ACMG Guidelines, 2015. Collection method: clinical testing. Allele origin: germline. Not counted in ClinVar's aggregate classification.

Victorian Clinical Genetics Services, Murdoch Childrens Research Institute
Classification: Pathogenic for AIPL1-related retinopathy. Last evaluated: 2022-03-31. Review status: criteria provided, single submitter. Criteria: ACMG Guidelines, 2015. Collection method: clinical testing. Allele origin: germline. Affected: yes. Not counted in ClinVar's aggregate classification.
Comment: Based on the classification scheme VCGS_Germline_v1.3.4, this variant is classified as Pathogenic. Following criteria are met: 0102 - Loss of function is a known mechanism of disease in this gene and is associated with AIPL1 retinopathy (MONDO#0100438 ) (I) 0108 - This gene is associated with both recessive and dominant disease. Biallelic variants are generally associated with the more severe, early-onset leber congenital amaurosis 4 (MIM#604393) while monoallelic variants are associated with the milder juvenile retinitis pigmentosa (MIM#604393). (I) 0205 - Variant is predicted to result in a truncated protein (premature termination codon is NOT located at least 54 nucleotides upstream of the final exon-exon junction) with less than 1/3 of the protein sequence affected. (SP) 0252 - This variant is homozygous. (I) 0304 - Variant is present in gnomAD <0.01 (v2: 92 heterozygotes, 0 homozygotes). (SP) 0801 - This variant has strong previous evidence of pathogenicity in unrelated individuals. It has been reported in at least ten homozygous or compound heterozygous individuals with leber congenital amaurosis 4 and retinitis pigmentosa, and is consistently classified as pathogenic by diagnostic laboratories in ClinVar (PMID: 33067476). (SP) 1208 - Inheritance information for this variant is not currently available in this individual. (I) Legend: (SP) - Supporting pathogenic, (I) - Information, (SB) - Supporting benign

Fulgent Genetics
Classification: Pathogenic for Retinitis pigmentosa; Leber congenital amaurosis 4. Last evaluated: 2022-03-18. Review status: criteria provided, single submitter. Criteria: ACMG Guidelines, 2015. Collection method: clinical testing. Allele origin: unknown. Not counted in ClinVar's aggregate classification.

Institute of Human Genetics, Univ. Regensburg, Univ. Regensburg
Classification: Pathogenic for Retinal dystrophy. Last evaluated: 2022-01-01. Review status: criteria provided, single submitter. Criteria: ACMG Guidelines, 2015. Collection method: clinical testing. Allele origin: germline. Affected: yes. Not counted in ClinVar's aggregate classification.

Ocular Genomics Institute, Massachusetts Eye and Ear
Classification: Pathogenic for Leber congenital amaurosis 4. Last evaluated: 2021-04-08. Review status: criteria provided, single submitter. Criteria: ACMG Guidelines, 2015. Collection method: research. Allele origin: germline. Affected: yes. Not counted in ClinVar's aggregate classification.
Comment: Through a review of available evidence we were able to apply the following criteria: PP1, PM3, PS3, PM2, PM4. Based on this evidence we have classified this variant as Pathogenic.

Genetics and Molecular Pathology, SA Pathology
Classification: Pathogenic for Leber congenital amaurosis 4. Last evaluated: 2020-07-03. Review status: criteria provided, single submitter. Criteria: ACMG Guidelines, 2015. Collection method: clinical testing. Allele origin: germline. Affected: yes. Not counted in ClinVar's aggregate classification.

CeGaT Center for Human Genetics Tuebingen
Classification: Pathogenic. Last evaluated: 2017-10-01. Review status: criteria provided, single submitter. Criteria: CeGaT Center For Human Genetics Tuebingen Variant Classification Criteria Version 2. Collection method: clinical testing. Allele origin: germline. Affected: yes. Observed: 2 variant alleles. Not counted in ClinVar's aggregate classification.

Illumina Laboratory Services, Illumina
Classification: Pathogenic for AIPL1-Related Disorders. Last evaluated: 2017-04-27. Review status: criteria provided, single submitter. Criteria: ICSL Variant Classification Criteria 09 May 2019. Collection method: clinical testing. Allele origin: germline. Not counted in ClinVar's aggregate classification.
Comment: Across a selection of the available literature, the AIPL1 c.834G>A p.Trp278Ter variant has been reported in at least four studies in association with Leber congenital amaurosis and is found in a total of at least 31 unrelated individuals including 19 in a homozygous state and 12 in a compound heterozygous state (Sohocki et al. 2000a; Sohocki et al. 2000b; Dharmaraj et al. 2004; Testa et al. 2011). Multiple pedigrees show segregation with disease in an autosomal recessive pattern (Sohocki et al. 2000a; Sohocki et al. 2000b). The p.Trp278Ter variant was absent from 305 controls and is reported at a frequency of 0.00093 in the European American population of the Exome Sequencing Project. Van der Spuy et al. (2004) co-transfected AIPL1 with GFP-NUB1-N and GFP-NUB1-C W278Ter to show the p.Trp278Ter variant formed non-functional SDS insoluble inclusions. Hidalgo-de-Quintana et al. (2015) used yeast two-hybrid analysis and showed the interaction of EB1 with AIPL1 harboring the p.Trp278Ter variant was severely compromised. Based on the collective evidence and potential impact of stop-gained variants, the p.Trp278Ter variant is classified as pathogenic for AIPL1-related disorders. This variant was observed by ICSL as part of a predisposition screen in an ostensibly healthy population.

Eurofins Ntd Llc (ga)
Classification: Pathogenic. Last evaluated: 2017-04-05. Review status: criteria provided, single submitter. Criteria: EGL Classification Definitions 2015. Collection method: clinical testing. Allele origin: germline. Observed: 3 variant alleles, 2 heterozygotes, 1 homozygote. Not counted in ClinVar's aggregate classification.

Knight Diagnostic Laboratories, Oregon Health and Sciences University
Classification: Pathogenic for Leber congenital amaurosis 4. Last evaluated: 2016-04-08. Review status: criteria provided, single submitter. Criteria: ACMG Guidelines, 2015. Collection method: clinical testing. Allele origin: germline. Affected: no. Study: CSER-NextGen. Not counted in ClinVar's aggregate classification.
Comment: The c.834G>A (p.Trp278*) nonsense variant in the AIPL1 gene has been previously reported as a common pathogenic variant associated with Leber congenital amaurosis (Sohocki et al., 2000a; Sohocki et al., 2000b; Aboshiha et al., 2015). This variant has been shown to co-segregate with disease in multiple affected members from at least 4 families (Sohocki et al., 2000a; Sohocki et al., 2000b). This nonsense variant introduces a stop codon in the last exon of AIPL1 and is expected to truncate the protein by 107 amino acids. This variant is often observed in trans with other pathogenic variants in affected individuals (Sohocki et al., 2000a; Sohocki et al., 2000b; Aboshiha et al., 2015). Functional studies have shown that this variant effects the subcellular localization of NUB1, a protein AIPL1 modulates and/or chaperones (van der Spuy et al., 2004). This variant is reported at low frequency in the population databases (Exome Sequencing Project = 0.093%; 1000 Genomes = 0%; and ExAC = 0.057%). Therefore, this collective evidence supports the classification of the c.834G>A (p.Trp278*) as a Pathogenic variant for Leber congenital amaurosis. We have confirmed this finding in our laboratory using Sanger sequencing.